The following is an entry in ClinVar:

ClinVar aggregate classification (germline): Uncertain significance (1 of 4 stars; one submission).

Submission:

Labcorp Genetics (formerly Invitae), Labcorp
Classification: Uncertain significance. Last evaluated: 2018-11-14. Review status: criteria provided, single submitter. Criteria: Invitae Variant Classification Sherloc (09022015). Collection method: clinical testing. Allele origin: germline.
Comment: This variant results in a copy number gain of the genomic region encompassing exons 23-24 of the MSH3 gene. The 5' boundary is likely confined to intron 22. The 3' end of this event is unknown as it extends beyond the assayed region for this gene and therefore may encompass additional genes. As the precise location of this event is unknown, it may be in tandem or it may be located elsewhere in the genome. This variant has not been reported in the literature in individuals with MSH3-related disease. In summary, the available evidence is currently insufficient to determine the role of this variant in disease. Therefore, it has been classified as a Variant of Uncertain Significance.

NC_000005.9:g.(?_80168925)_(80171691_?)dup

Gene: MSH3 (mutS homolog 3; plus strand). Cytogenetic location: 5q14.1.
Variant type: Duplication.
Identifiers: ClinVar variation 657912 (VCV000657912.4).